The following is an entry in ClinVar:

ClinVar aggregate classification (germline): Likely pathogenic (1 of 4 stars; one submission).

Submission:

GeneDx
Classification: Likely pathogenic. Last evaluated: 2024-08-21. Review status: criteria provided, single submitter. Criteria: GeneDx Variant Classification Process June 2021. Collection method: clinical testing. Allele origin: germline. Affected: yes.
Comment: Not observed at significant frequency in large population cohorts (gnomAD); In-frame deletion of 1 amino acid in a non-repeat region; In silico analysis supports a deleterious effect on protein structure/function; Has not been previously published as pathogenic or benign to our knowledge

NM_001040142.2(SCN2A):c.543AGA[1] (p.Glu182del)

Gene: SCN2A (sodium voltage-gated channel alpha subunit 2; plus strand). Cytogenetic location: 2q24.3.
Variant type: Microsatellite.
Coding change: c.543AGA[1] on transcript NM_001040142.2 (MANE Select); one copy of the 3-base unit AGA starting at c.543; the reference has two copies in a row; one copy, 3 bases deleted.
Protein change: p.Glu182del; deletes glutamic acid 182.
Genome position (GRCh38, 1-based): chr2:165,308,735-165,308,737, AGA deleted; deleting any 3 consecutive bases within chr2:165,308,732-165,308,737 gives the same sequence; the position shown is the placement nearest the transcript's 3' end. VCF-style (leftmost placement, unchanged base first): chr2-165308731-TAGA-T. GRCh37 (hg19) VCF-style: chr2-166165241-TAGA-T.
Other names: c.543AGA[1], p.Glu182del (NM_001040143.2, NM_001371246.1, NM_001371247.1 and 1 more transcripts); short protein forms E182del.
Identifiers: ClinVar variation 3764226 (VCV003764226.1).